The following is an entry in ClinVar:

ClinVar aggregate classification (germline): Uncertain significance. Review status: criteria provided, multiple submitters, no conflicts (2 of 4 stars). 2 submissions from 2 submitters: Uncertain significance (2). Last evaluated 2024-10-23.

Conditions:
Junctional epidermolysis bullosa. Identifiers: Orphanet 305, MedGen C0079301, MONDO:0017612.

Allele frequency attached by ClinVar (database versions not stated): gnomAD exomes 0.00005 and 0.00009; TOPMed 0.00006; ExAC 0.00007; gnomAD 0.00007 and 0.00008; 1000 Genomes Project 30x 0.00031; 1000 Genomes Project 0.00040.
gnomAD v4.1: 79 of 1,614,080 alleles (0.0049%); highest among the groups gnomAD compares: South Asian, 0.053%; no homozygotes.

Submissions (2):

Labcorp Genetics (formerly Invitae), Labcorp
Classification: Uncertain significance. Last evaluated: 2024-10-23. Review status: criteria provided, single submitter. Criteria: Invitae Variant Classification Sherloc (09022015). Collection method: clinical testing. Allele origin: germline.
Comment: This sequence change replaces proline, which is neutral and non-polar, with leucine, which is neutral and non-polar, at codon 443 of the LAMB3 protein (p.Pro443Leu). This variant is present in population databases (rs202096620, gnomAD 0.06%). This variant has not been reported in the literature in individuals affected with LAMB3-related conditions. ClinVar contains an entry for this variant (Variation ID: 877051). Invitae Evidence Modeling of protein sequence and biophysical properties (such as structural, functional, and spatial information, amino acid conservation, physicochemical variation, residue mobility, and thermodynamic stability) indicates that this missense variant is not expected to disrupt LAMB3 protein function with a negative predictive value of 80%. In summary, the available evidence is currently insufficient to determine the role of this variant in disease. Therefore, it has been classified as a Variant of Uncertain Significance.

Illumina Laboratory Services, Illumina
Classification: Uncertain significance for Junctional epidermolysis bullosa. Last evaluated: 2018-01-13. Review status: criteria provided, single submitter. Criteria: ICSL Variant Classification Criteria 13 December 2019. Collection method: clinical testing. Allele origin: germline.

NM_000228.3(LAMB3):c.1328C>T (p.Pro443Leu)

Gene: LAMB3 (laminin subunit beta 3; minus strand). Cytogenetic location: 1q32.2.
Variant type: single nucleotide variant.
Coding change: c.1328C>T on transcript NM_000228.3 (MANE Select); coding-DNA position 1328, C replaced by T.
Protein change: p.Pro443Leu; replaces proline 443 with leucine.
Molecular consequence: missense variant.
Genome position (GRCh38, 1-based): chr1:209,627,540, G>A on the plus strand (C>T on the coding strand, the complement: LAMB3 is on the minus strand). VCF-style: chr1-209627540-G-A. GRCh37 (hg19) VCF-style: chr1-209800885-G-A.
Other names: c.1328C>T, p.Pro443Leu (NM_001017402.2, NM_001127641.1); short protein forms P443L.
Identifiers: ClinVar variation 877051 (VCV000877051.6), dbSNP rs202096620, ClinGen allele CA1375619.